The following is an entry in ClinVar:

ClinVar aggregate classification (germline): Pathogenic. Review status: criteria provided, multiple submitters, no conflicts (2 of 4 stars). 4 submissions from 4 submitters: Pathogenic (4). Last evaluated 2025-01-14.

Conditions:
RB1-related disorder. Also called: RB1-related condition.
Retinoblastoma (RB1). Also called: RETINOBLASTOMA, SOMATIC. Identifiers: Orphanet 790, MedGen C0035335, MeSH D012175, MONDO:0008380, OMIM 180200, HP:0009919. Disease mechanism: loss of function. Inheritance: Both sporadic and heritable forms are tested..

Submissions (4):

Molecular Pathology, Peter Maccallum Cancer Centre
Classification: Pathogenic for Retinoblastoma. Last evaluated: 2025-01-14. Review status: criteria provided, single submitter. Criteria: ACMG Guidelines, 2015. Collection method: clinical testing. Allele origin: germline. Inheritance: Autosomal dominant inheritance.

Genetic Diagnostic Laboratory, University of Pennsylvania School of Medicine
Classification: Pathogenic for Retinoblastoma. Last evaluated: 2024-05-20. Review status: criteria provided, single submitter. Criteria: ACMG Guidelines, 2015. Collection method: clinical testing. Allele origin: germline. Affected: yes. Observed: 1 variant allele.
Comment: Case and Pedigree Information: BILATERAL CASES:1, UNILATERAL CASES:0, TOTAL CASES:1, PEDIGREES:1. ACMG Codes Applied:PVS1, PM2

Labcorp Genetics (formerly Invitae), Labcorp
Classification: Pathogenic for Retinoblastoma. Last evaluated: 2024-05-12. Review status: criteria provided, single submitter. Criteria: Invitae Variant Classification Sherloc (09022015). Collection method: clinical testing. Allele origin: germline.
Comment: This sequence change creates a premature translational stop signal (p.Gln736*) in the RB1 gene. It is expected to result in an absent or disrupted protein product. Loss-of-function variants in RB1 are known to be pathogenic (PMID: 17096365). This variant is not present in population databases (gnomAD no frequency). This premature translational stop signal has been observed in individuals with bilateral retinoblastoma (PMID: 23301675, 24810223). This variant is also known as g.160829C>T. ClinVar contains an entry for this variant (Variation ID: 640755). For these reasons, this variant has been classified as Pathogenic.

Blueprint Genetics
Classification: Pathogenic for RB1-related disorders. Last evaluated: 2022-10-14. Review status: criteria provided, single submitter. Criteria: ACMG Guidelines, 2015. Collection method: clinical testing. Allele origin: germline. Affected: yes. Observed: 2 variant alleles.

Literature cited by the submitters: PubMed 17096365 (cited by Labcorp Genetics (formerly Invitae), Labcorp); PubMed 23301675 (cited by Labcorp Genetics (formerly Invitae), Labcorp); PubMed 24810223 (cited by Labcorp Genetics (formerly Invitae), Labcorp).

NM_000321.3(RB1):c.2206C>T (p.Gln736Ter)

Gene: RB1 (RB transcriptional corepressor 1; plus strand). Cytogenetic location: 13q14.2.
Variant type: single nucleotide variant.
Coding change: c.2206C>T on transcript NM_000321.3 (MANE Select); coding-DNA position 2206, C replaced by T.
Protein change: p.Gln736Ter; replaces glutamine 736 with a stop codon.
Molecular consequence: nonsense.
Genome position (GRCh38, 1-based): chr13:48,463,830, C>T. VCF-style: chr13-48463830-C-T. GRCh37 (hg19) VCF-style: chr13-49037966-C-T.
Other names: short protein forms Q736*.
Identifiers: ClinVar variation 640755 (VCV000640755.11), dbSNP rs1593538220, ClinGen allele CA388167225.